The following is an entry in ClinVar:

NM_003873.7(NRP1):c.1797G>A (p.Leu599=)

Gene: NRP1 (neuropilin 1; minus strand). Cytogenetic location: 10p11.22.
Variant type: single nucleotide variant.
Coding change: c.1797G>A on transcript NM_003873.7 (MANE Select); coding-DNA position 1797, G replaced by A.
Protein change: p.Leu599=; no amino-acid change (leucine 599 retained).
Molecular consequence: synonymous variant. On other transcripts: non-coding transcript variant (1), intron variant (1).
Genome position (GRCh38, 1-based): chr10:33,202,958, C>T on the plus strand (G>A on the coding strand, the complement: NRP1 is on the minus strand). VCF-style: chr10-33202958-C-T. GRCh37 (hg19) VCF-style: chr10-33491886-C-T.
Other names: c.1797G>A, p.Leu599= (NM_001024628.3, NM_001244972.2, NM_001244973.2 and 1 more transcripts); c.1759+4614G>A (NM_001024629.3).
Identifiers: ClinVar variation 3056401 (VCV003056401.2), dbSNP rs148041491, ClinGen allele CA5466431.

ClinVar aggregate classification (germline): Likely benign (0 of 4 stars; one submission).

Conditions:
NRP1-related disorder. Also called: NRP1-related condition.

Allele frequency attached by ClinVar (database versions not stated): TOPMed 0.00008; gnomAD 0.00009; gnomAD exomes 0.00012; 1000 Genomes Project 30x 0.00016; 1000 Genomes Project 0.00020; ESP Exome Variant Server 0.00023.

Submission:

PreventionGenetics, part of Exact Sciences
Classification: Likely benign for NRP1-related condition. Last evaluated: 2019-06-25. Review status: no assertion criteria provided. Collection method: clinical testing. Allele origin: germline.
Comment: This variant is classified as likely benign based on ACMG/AMP sequence variant interpretation guidelines (Richards et al. 2015 PMID: 25741868, with internal and published modifications).